The following is an entry in ClinVar:

NM_000285.4(PEPD):c.62C>T (p.Ala21Val)

Gene: PEPD (peptidase D; minus strand). Cytogenetic location: 19q13.11.
Variant type: single nucleotide variant.
Coding change: c.62C>T on transcript NM_000285.4 (MANE Select); coding-DNA position 62, C replaced by T.
Protein change: p.Ala21Val; replaces alanine 21 with valine.
Molecular consequence: missense variant.
Genome position (GRCh38, 1-based): chr19:33,512,732, G>A on the plus strand (C>T on the coding strand, the complement: PEPD is on the minus strand). VCF-style: chr19-33512732-G-A. GRCh37 (hg19) VCF-style: chr19-34003638-G-A.
Other names: c.62C>T, p.Ala21Val (NM_001166056.2, NM_001166057.2); short protein forms A21V.
Identifiers: ClinVar variation 1044434 (VCV001044434.10), dbSNP rs199711203, ClinGen allele CA9364506.

ClinVar aggregate classification (germline): Uncertain significance. Review status: criteria provided, multiple submitters, no conflicts (2 of 4 stars). 3 submissions from 3 submitters: Uncertain significance (3). Last evaluated 2025-12-17.

Allele frequency attached by ClinVar (database versions not stated): gnomAD exomes 0.00010 and 0.00014; ExAC 0.00013; 1000 Genomes Project 0.00040; 1000 Genomes Project 30x 0.00016; TOPMed 0.00016.
gnomAD v4.1: 167 of 1,614,008 alleles (0.01%); highest among the groups gnomAD compares: Middle Eastern, 0.066%; no homozygotes.

Submissions (3):

Labcorp Genetics (formerly Invitae), Labcorp
Classification: Uncertain significance. Last evaluated: 2025-12-17. Review status: criteria provided, single submitter. Criteria: Invitae Variant Classification Sherloc (09022015). Collection method: clinical testing. Allele origin: germline.
Comment: This sequence change replaces alanine, which is neutral and non-polar, with valine, which is neutral and non-polar, at codon 21 of the PEPD protein (p.Ala21Val). This variant is present in population databases (rs199711203, gnomAD 0.03%). This variant has not been reported in the literature in individuals affected with PEPD-related conditions. ClinVar contains an entry for this variant (Variation ID: 1044434). Invitae Evidence Modeling of protein sequence and biophysical properties (such as structural, functional, and spatial information, amino acid conservation, physicochemical variation, residue mobility, and thermodynamic stability) indicates that this missense variant is not expected to disrupt PEPD protein function with a negative predictive value of 95%. In summary, the available evidence is currently insufficient to determine the role of this variant in disease. Therefore, it has been classified as a Variant of Uncertain Significance.

Blueprint Genetics
Classification: Uncertain significance. Last evaluated: 2024-05-30. Review status: criteria provided, single submitter. Criteria: ACMG Guidelines, 2015. Collection method: clinical testing. Allele origin: germline.

GeneDx
Classification: Uncertain significance. Last evaluated: 2021-07-16. Review status: criteria provided, single submitter. Criteria: GeneDx Variant Classification Process June 2021. Collection method: clinical testing. Allele origin: germline. Affected: yes.
Comment: Has not been previously published as pathogenic or benign to our knowledge; In silico analysis supports that this missense variant has a deleterious effect on protein structure/function; This variant is associated with the following publications: (PMID: 27535533)